The following is an entry in ClinVar:

NM_033100.4(CDHR1):c.1086_1087insGGT (p.Arg362_Phe363insGly)

Gene: CDHR1 (cadherin related family member 1; plus strand). Cytogenetic location: 10q23.1.
Variant type: Insertion.
Coding change: c.1086_1087insGGT on transcript NM_033100.4 (MANE Select); coding-DNA positions 1086 to 1087, GGT inserted.
Protein change: p.Arg362_Phe363insGly.
Molecular consequence: inframe insertion.
Genome position: GRCh38 VCF-style: chr10-84208296-G-GGGT. GRCh37 (hg19) VCF-style: chr10-85968052-G-GGGT.
Other names: c.1086_1087insGGT, p.Arg362_Phe363insGly (NM_001171971.3).
Identifiers: ClinVar variation 4714114 (VCV004714114.1).
Genomic context (GRCh38, chr10:84,208,296, plus strand): 5'-GATTGTGGACCTCAACAACCACCCGCCAACATTCTATGGAGAGAGCGGACCCCAAAACAG[G>GGGT]TTTGAGCTGTCCATGAATGAGCACCCACCCCAGGGAGAGATCCTGCGGGGCCTCAAGATC-3'

ClinVar aggregate classification (germline): Uncertain significance (1 of 4 stars; one submission).

Submission:

Labcorp Genetics (formerly Invitae), Labcorp
Classification: Uncertain significance. Last evaluated: 2025-02-28. Review status: criteria provided, single submitter. Criteria: Invitae Variant Classification Sherloc (09022015). Collection method: clinical testing. Allele origin: germline.
Comment: This variant, c.1086_1087insGGT, results in the insertion of 1 amino acid(s) of the CDHR1 protein (p.Arg362_Phe363insGly), but otherwise preserves the integrity of the reading frame. This variant is not present in population databases (gnomAD no frequency). This variant has not been reported in the literature in individuals affected with CDHR1-related conditions. In summary, the available evidence is currently insufficient to determine the role of this variant in disease. Therefore, it has been classified as a Variant of Uncertain Significance.